The following is an entry in ClinVar:

NM_002439.5(MSH3):c.300A>G (p.Lys100=)

Gene: MSH3 (mutS homolog 3; plus strand). Cytogenetic location: 5q14.1.
Variant type: single nucleotide variant.
Coding change: c.300A>G on transcript NM_002439.5 (MANE Select); coding-DNA position 300, A replaced by G.
Protein change: p.Lys100=; no amino-acid change (lysine 100 retained).
Molecular consequence: synonymous variant.
Genome position (GRCh38, 1-based): chr5:80,656,473, A>G. VCF-style: chr5-80656473-A-G. GRCh37 (hg19) VCF-style: chr5-79952292-A-G.
Identifiers: ClinVar variation 647897 (VCV000647897.12), dbSNP rs1580540694, ClinGen allele CA445163332.

ClinVar aggregate classification (germline): Conflicting classifications of pathogenicity. Review status: criteria provided, conflicting classifications (1 of 4 stars). 2 submissions from 2 submitters: Uncertain significance (1); Likely benign (1). Last evaluated 2024-05-24.

Conditions:
Hereditary cancer-predisposing syndrome. Also called: Hereditary Cancer Syndrome; Tumor predisposition; Hereditary neoplastic syndrome; Neoplastic Syndromes, Hereditary. Identifiers: Orphanet 140162, MedGen C0027672, MeSH D009386, MONDO:0015356.

Allele frequency attached by ClinVar (database versions not stated): gnomAD exomes below 0.00001.
gnomAD v4.1: 1 of 1,614,232 alleles (0.000062%); highest among the groups gnomAD compares: Non-Finnish European, 0.000085%; no homozygotes.

Submissions (2):

Ambry Genetics
Classification: Uncertain significance for Hereditary cancer-predisposing syndrome. Last evaluated: 2024-05-24. Review status: criteria provided, single submitter. Criteria: Ambry Variant Classification Scheme 2023. Collection method: clinical testing. Allele origin: germline.
Comment: The c.300A>G variant (also known as p.K100K), located in coding exon 2 of the MSH3 gene, results from an A to G substitution at nucleotide position 300. This nucleotide substitution does not change the lysine at codon 100. This nucleotide position is not well conserved in available vertebrate species. In silico splice site analysis predicts that this alteration may result in the creation or strengthening of a novel splice donor site. Since supporting evidence is limited at this time, the clinical significance of this alteration remains unclear.

Labcorp Genetics (formerly Invitae), Labcorp
Classification: Likely benign. Last evaluated: 2023-10-13. Review status: criteria provided, single submitter. Criteria: Invitae Variant Classification Sherloc (09022015). Collection method: clinical testing. Allele origin: germline.